The following is an entry in ClinVar:

NM_007103.4(NDUFV1):c.1379G>A (p.Arg460Gln)

Genes: NDUFV1 (NADH:ubiquinone oxidoreductase core subunit V1; plus strand), LOC126861242 (CDK7 strongly-dependent group 2 enhancer GRCh37_chr11:67379204-67380403; plus strand). Cytogenetic location: 11q13.2.
Variant type: single nucleotide variant.
Coding change: c.1379G>A on transcript NM_007103.4 (MANE Select); coding-DNA position 1379, G replaced by A.
Protein change: p.Arg460Gln; replaces arginine 460 with glutamine.
Molecular consequence: missense variant.
Genome position (GRCh38, 1-based): chr11:67,612,442, G>A. VCF-style: chr11-67612442-G-A. GRCh37 (hg19) VCF-style: chr11-67379913-G-A.
Other names: c.1352G>A, p.Arg451Gln (NM_001166102.2); short protein forms R451Q, R460Q.
Identifiers: ClinVar variation 2500593 (VCV002500593.1), dbSNP rs752045049, ClinGen allele CA6143523.
Genomic context (GRCh38, chr11:67,612,442, plus strand): 5'-GCCACTTTCGGCCGGAGCTCGAGGAGCGGATGCAGCGGTTTGCCCAGCAGCATCAGGCCC[G>A]GCAGGCTGCCTCTTAGCCCACCACCCTGGCCTGCTGTCCTGCGTCTATCCATGTGGAATG-3'
Protein context (NP_009034.2, residues 450-464): MQRFAQQHQA[Arg460Gln]QAAS

ClinVar aggregate classification (germline): Uncertain significance (1 of 4 stars; one submission).

Allele frequency attached by ClinVar (database versions not stated): TOPMed below 0.00001; ExAC 0.00001; gnomAD 0.00001.
gnomAD v4.1: 7 of 1,611,738 alleles (0.00043%); highest among the groups gnomAD compares: East Asian, 0.0022%; no homozygotes.

Submission:

GeneDx
Classification: Uncertain significance. Last evaluated: 2023-04-26. Review status: criteria provided, single submitter. Criteria: GeneDx Variant Classification Process June 2021. Collection method: clinical testing. Allele origin: germline. Affected: yes.
Comment: Not observed at significant frequency in large population cohorts (gnomAD); In silico analysis supports that this missense variant does not alter protein structure/function; Has not been previously published as pathogenic or benign to our knowledge